The following is an entry in ClinVar:

ClinVar aggregate classification (germline): Uncertain significance (1 of 4 stars; one submission).

Allele frequency attached by ClinVar (database versions not stated): gnomAD exomes below 0.00001; TOPMed below 0.00001.
gnomAD v4.1: 2 of 1,613,494 alleles (0.00012%); highest among the groups gnomAD compares: Non-Finnish European, 0.000085%; no homozygotes.

Submission:

Ambry Genetics
Classification: Uncertain significance. Last evaluated: 2023-05-02. Review status: criteria provided, single submitter. Criteria: Ambry Variant Classification Scheme 2023. Collection method: clinical testing. Allele origin: germline.
Comment: The p.V588I variant (also known as c.1762G>A), located in coding exon 13 of the NPAT gene, results from a G to A substitution at nucleotide position 1762. The valine at codon 588 is replaced by isoleucine, an amino acid with highly similar properties. This amino acid position is conserved. In addition, this alteration is predicted to be tolerated by in silico analysis. Since supporting evidence is limited at this time, the clinical significance of this alteration remains unclear.

NM_002519.3(NPAT):c.1762G>A (p.Val588Ile)

Gene: NPAT (nuclear protein, coactivator of histone transcription; minus strand). Cytogenetic location: 11q22.3.
Variant type: single nucleotide variant.
Coding change: c.1762G>A on transcript NM_002519.3 (MANE Select); coding-DNA position 1762, G replaced by A.
Protein change: p.Val588Ile; replaces valine 588 with isoleucine.
Molecular consequence: missense variant.
Genome position (GRCh38, 1-based): chr11:108,173,222, C>T on the plus strand (G>A on the coding strand, the complement: NPAT is on the minus strand). VCF-style: chr11-108173222-C-T. GRCh37 (hg19) VCF-style: chr11-108043949-C-T.
Other names: c.1762G>A, p.Val588Ile (NM_001321307.1); short protein forms V588I.
Identifiers: ClinVar variation 2561412 (VCV002561412.2), dbSNP rs2077971698, ClinGen allele CA382514412.